The following is an entry in ClinVar:

ClinVar aggregate classification (germline): Uncertain significance. Review status: criteria provided, multiple submitters, no conflicts (2 of 4 stars). 2 submissions from 2 submitters: Uncertain significance (2). Last evaluated 2025-03-12.

Conditions:
Developmental and epileptic encephalopathy, 42 (DEE42A). Also called: Epileptic encephalopathy, early infantile, 42; DEVELOPMENTAL AND EPILEPTIC ENCEPHALOPATHY 42A; EPILEPTIC ENCEPHALOPATHY, EARLY INFANTILE, 42A. Identifiers: MedGen C4310716, MONDO:0014917, OMIM 617106.
Episodic ataxia type 2 (EA2). Also called: ACETAZOLAMIDE-RESPONSIVE HEREDITARY PAROXYSMAL CEREBELLAR ATAXIA; ATAXIA, EPISODIC, WITH NYSTAGMUS; ATAXIA, FAMILIAL PAROXYSMAL; CEREBELLAR ATAXIA, PAROXYSMAL, ACETAZOLAMIDE-RESPONSIVE; CEREBELLOPATHY, HEREDITARY PAROXYSMAL; EPISODIC ATAXIA, NYSTAGMUS-ASSOCIATED. Identifiers: Orphanet 97, MedGen C1720416, MONDO:0007163, OMIM 108500.

Allele frequency attached by ClinVar (database versions not stated): TOPMed below 0.00001.

Submissions (2):

GeneDx
Classification: Uncertain significance. Last evaluated: 2025-03-12. Review status: criteria provided, single submitter. Criteria: GeneDx Variant Classification Process June 2021. Collection method: clinical testing. Allele origin: germline. Affected: yes.
Comment: Not observed at significant frequency in large population cohorts (gnomAD); In silico analysis indicates that this missense variant does not alter protein structure/function; Has not been previously published as pathogenic or benign to our knowledge

Labcorp Genetics (formerly Invitae), Labcorp
Classification: Uncertain significance for Developmental and epileptic encephalopathy, 42; Episodic ataxia type 2. Last evaluated: 2024-08-29. Review status: criteria provided, single submitter. Criteria: Invitae Variant Classification Sherloc (09022015). Collection method: clinical testing. Allele origin: germline.
Comment: This sequence change replaces glycine, which is neutral and non-polar, with arginine, which is basic and polar, at codon 896 of the CACNA1A protein (p.Gly896Arg). This variant is not present in population databases (gnomAD no frequency). This variant has not been reported in the literature in individuals affected with CACNA1A-related conditions. ClinVar contains an entry for this variant (Variation ID: 1005700). Invitae Evidence Modeling of protein sequence and biophysical properties (such as structural, functional, and spatial information, amino acid conservation, physicochemical variation, residue mobility, and thermodynamic stability) indicates that this missense variant is not expected to disrupt CACNA1A protein function with a negative predictive value of 95%. In summary, the available evidence is currently insufficient to determine the role of this variant in disease. Therefore, it has been classified as a Variant of Uncertain Significance.

NM_001127222.2(CACNA1A):c.2683G>C (p.Gly895Arg)

Gene: CACNA1A (calcium voltage-gated channel subunit alpha1 A; minus strand). Cytogenetic location: 19p13.13.
Variant type: single nucleotide variant.
Coding change: c.2683G>C on transcript NM_001127222.2 (MANE Select); coding-DNA position 2683, G replaced by C.
Protein change: p.Gly895Arg; replaces glycine 895 with arginine.
Molecular consequence: missense variant.
Genome position (GRCh38, 1-based): chr19:13,298,950, C>G on the plus strand (G>C on the coding strand, the complement: CACNA1A is on the minus strand). VCF-style: chr19-13298950-C-G. GRCh37 (hg19) VCF-style: chr19-13409764-C-G.
Other names: c.2695G>C, p.Gly899Arg (NM_000068.4, NM_023035.3); c.2686G>C, p.Gly896Arg (NM_001127221.2, NM_001174080.2); short protein forms G895R, G896R, G899R.
Identifiers: ClinVar variation 1005700 (VCV001005700.10), dbSNP rs1358948688, ClinGen allele CA404342930.